The following is an entry in ClinVar:

NM_152296.5(ATP1A3):c.2746A>T (p.Ile916Phe)

Gene: ATP1A3 (ATPase Na+/K+ transporting subunit alpha 3; minus strand). Cytogenetic location: 19q13.2.
Variant type: single nucleotide variant.
Coding change: c.2746A>T on transcript NM_152296.5 (MANE Select); coding-DNA position 2746, A replaced by T.
Protein change: p.Ile916Phe; replaces isoleucine 916 with phenylalanine.
Molecular consequence: missense variant.
Genome position (GRCh38, 1-based): chr19:41,968,858, T>A on the plus strand (A>T on the coding strand, the complement: ATP1A3 is on the minus strand). VCF-style: chr19-41968858-T-A. GRCh37 (hg19) VCF-style: chr19-42473010-T-A.
Other names: c.2779A>T, p.Ile927Phe (NM_001256213.2); c.2785A>T, p.Ile929Phe (NM_001256214.2); short protein forms I916F, I929F, I927F.
Identifiers: ClinVar variation 2745834 (VCV002745834.3), dbSNP rs1555859166, ClinGen allele CA406036128.

ClinVar aggregate classification (germline): Uncertain significance (1 of 4 stars; one submission).

Conditions:
Dystonia 12 (DYT12). Also called: Rapid-Onset Dystonia-Parkinsonism (RDP); DYT-ATP1A3. Identifiers: Orphanet 71517, MedGen C1868681, MONDO:0007496, OMIM 128235.

Submission:

Labcorp Genetics (formerly Invitae), Labcorp
Classification: Uncertain significance for Dystonia 12. Last evaluated: 2023-07-29. Review status: criteria provided, single submitter. Criteria: Invitae Variant Classification Sherloc (09022015). Collection method: clinical testing. Allele origin: germline.
Comment: In summary, the available evidence is currently insufficient to determine the role of this variant in disease. Therefore, it has been classified as a Variant of Uncertain Significance. Advanced modeling of protein sequence and biophysical properties (such as structural, functional, and spatial information, amino acid conservation, physicochemical variation, residue mobility, and thermodynamic stability) performed at Invitae indicates that this missense variant is expected to disrupt ATP1A3 protein function. This variant has not been reported in the literature in individuals affected with ATP1A3-related conditions. This variant is not present in population databases (gnomAD no frequency). This sequence change replaces isoleucine, which is neutral and non-polar, with phenylalanine, which is neutral and non-polar, at codon 916 of the ATP1A3 protein (p.Ile916Phe).